The following is an entry in ClinVar:

ClinVar aggregate classification (germline): Uncertain significance (1 of 4 stars; one submission).

Allele frequency attached by ClinVar (database versions not stated): TOPMed 0.00001.
gnomAD v4.1: 1 of 1,614,192 alleles (0.000062%); highest among the groups gnomAD compares: African/African-American, 0.0013%; no homozygotes.

Submission:

GeneDx
Classification: Uncertain significance. Last evaluated: 2022-05-12. Review status: criteria provided, single submitter. Criteria: GeneDx Variant Classification Process June 2021. Collection method: clinical testing. Allele origin: germline. Affected: yes.
Comment: Not observed at significant frequency in large population cohorts (gnomAD); In silico analysis supports that this missense variant does not alter protein structure/function; In silico analysis suggests this variant may impact gene splicing. In the absence of RNA/functional studies, the actual effect of this sequence change is unknown.; Has not been previously published as pathogenic or benign to our knowledge

NM_004369.4(COL6A3):c.7435G>A (p.Ala2479Thr)

Gene: COL6A3 (collagen type VI alpha 3 chain; minus strand). Cytogenetic location: 2q37.3.
Variant type: single nucleotide variant.
Coding change: c.7435G>A on transcript NM_004369.4 (MANE Select); coding-DNA position 7435, G replaced by A.
Protein change: p.Ala2479Thr; replaces alanine 2479 with threonine.
Molecular consequence: missense variant.
Genome position (GRCh38, 1-based): chr2:237,344,583, C>T on the plus strand (G>A on the coding strand, the complement: COL6A3 is on the minus strand). VCF-style: chr2-237344583-C-T. GRCh37 (hg19) VCF-style: chr2-238253226-C-T.
Other names: c.5614G>A, p.Ala1872Thr (NM_057166.5); c.6817G>A, p.Ala2273Thr (NM_057167.4); short protein forms A1872T, A2273T, A2479T.
Identifiers: ClinVar variation 1723775 (VCV001723775.2), dbSNP rs1461187641, ClinGen allele CA351203003.